The following is an entry in ClinVar:

NM_005529.7(HSPG2):c.6295G>A (p.Gly2099Ser)

Gene: HSPG2 (heparan sulfate proteoglycan 2; minus strand). Cytogenetic location: 1p36.12.
Variant type: single nucleotide variant.
Coding change: c.6295G>A on transcript NM_005529.7 (MANE Select); coding-DNA position 6295, G replaced by A.
Protein change: p.Gly2099Ser; replaces glycine 2099 with serine.
Molecular consequence: missense variant.
Genome position (GRCh38, 1-based): chr1:21,854,337, C>T on the plus strand (G>A on the coding strand, the complement: HSPG2 is on the minus strand). VCF-style: chr1-21854337-C-T. GRCh37 (hg19) VCF-style: chr1-22180830-C-T.
Other names: c.6295G>A (NM_005529.5, NM_005529.6); c.6298G>A, p.Gly2100Ser (NM_001291860.2); short protein forms G2099S, G2100S.
Identifiers: ClinVar variation 1042188 (VCV001042188.14), dbSNP rs113695182, ClinGen allele CA671597.

ClinVar aggregate classification (germline): Conflicting classifications of pathogenicity. Review status: criteria provided, conflicting classifications (1 of 4 stars). 5 submissions from 5 submitters: Uncertain significance (3); Likely benign (2). Last evaluated 2025-08-26.

Conditions:
HSPG2-related disorder. Also called: HSPG2-related condition; HSPG2-related disorders.
Inborn genetic diseases. Identifiers: MedGen C0950123, MeSH D030342.

Allele frequency attached by ClinVar (database versions not stated): gnomAD exomes 0.00016; ExAC 0.00044; TOPMed 0.00060; ESP Exome Variant Server 0.00062; gnomAD 0.00066; 1000 Genomes Project 30x 0.00078; 1000 Genomes Project 0.00080.
gnomAD v4.1: 193 of 1,568,562 alleles (0.012%); highest among the groups gnomAD compares: African/African-American, 0.2%; 1 homozygote.

Submissions (5):

PreventionGenetics, part of Exact Sciences
Classification: Likely benign for HSPG2-related condition. Last evaluated: 2025-08-26. Review status: criteria provided, single submitter. Criteria: ACMG Guidelines, 2015. Collection method: clinical testing. Allele origin: germline.
Comment: This variant is classified as likely benign based on ACMG/AMP sequence variant interpretation guidelines (Richards et al. 2015 PMID: 25741868, with internal and published modifications).

Labcorp Genetics (formerly Invitae), Labcorp
Classification: Likely benign. Last evaluated: 2025-08-18. Review status: criteria provided, single submitter. Criteria: Invitae Variant Classification Sherloc (09022015). Collection method: clinical testing. Allele origin: germline.

Blueprint Genetics
Classification: Uncertain significance. Last evaluated: 2024-07-11. Review status: criteria provided, single submitter. Criteria: ACMG Guidelines, 2015. Collection method: clinical testing. Allele origin: germline.

Ambry Genetics
Classification: Uncertain significance for Inborn genetic diseases. Last evaluated: 2021-02-19. Review status: criteria provided, single submitter. Criteria: Ambry Variant Classification Scheme 2023. Collection method: clinical testing. Allele origin: germline.
Comment: The c.6295G>A (p.G2099S) alteration is located in exon 49 (coding exon 49) of the HSPG2 gene. This alteration results from a G to A substitution at nucleotide position 6295, causing the glycine (G) at amino acid position 2099 to be replaced by a serine (S). The p.G2099S alteration is predicted to be tolerated by in silico analysis. Based on insufficient or conflicting evidence, the clinical significance of this alteration remains unclear.

Revvity Omics, Revvity
Classification: Uncertain significance. Last evaluated: 2019-10-01. Review status: criteria provided, single submitter. Criteria: ACMG Guidelines, 2015. Collection method: clinical testing. Allele origin: germline.